The following is an entry in ClinVar:

NM_024408.4(NOTCH2):c.5282A>G (p.Asp1761Gly)

Gene: NOTCH2 (notch receptor 2; minus strand). Cytogenetic location: 1p12.
Variant type: single nucleotide variant.
Coding change: c.5282A>G on transcript NM_024408.4 (MANE Select); coding-DNA position 5282, A replaced by G.
Protein change: p.Asp1761Gly; replaces aspartic acid 1761 with glycine.
Molecular consequence: missense variant.
Genome position (GRCh38, 1-based): chr1:119,921,741, T>C on the plus strand (A>G on the coding strand, the complement: NOTCH2 is on the minus strand). VCF-style: chr1-119921741-T-C. GRCh37 (hg19) VCF-style: chr1-120464364-T-C.
Other names: short protein forms D1761G.
Identifiers: ClinVar variation 3642949 (VCV003642949.2).
Genomic context (GRCh38, chr1:119,921,741, plus strand): 5'-TGACAATGGTGGTTCTACCATGGCCACCTCACCTTTACTTTCTTTGGCTGGGGCCCTTCA[T>C]CATCGACCCAGTGTTCACTTGTTCCAGTACCAATTAGGTTAGCTTCTGAGACTTGCACTG-3'
Protein context (NP_077719.2, residues 1751-1771): GTGTSEHWVD[Asp1761Gly]EGPQPKKVKA

ClinVar aggregate classification (germline): Uncertain significance (1 of 4 stars; one submission).

Conditions:
Hajdu-Cheney syndrome (HJCYS). Also called: ACROOSTEOLYSIS WITH OSTEOPOROSIS AND CHANGES IN SKULL AND MANDIBLE; Acroosteolysis dominant type; SERPENTINE FIBULA-POLYCYSTIC KIDNEY SYNDROME. Identifiers: Orphanet 955, MedGen C0917715, MONDO:0007057, OMIM 102500.

Submission:

Labcorp Genetics (formerly Invitae), Labcorp
Classification: Uncertain significance for Hajdu-Cheney syndrome. Last evaluated: 2024-03-01. Review status: criteria provided, single submitter. Criteria: Invitae Variant Classification Sherloc (09022015). Collection method: clinical testing. Allele origin: germline.
Comment: This sequence change replaces aspartic acid, which is acidic and polar, with glycine, which is neutral and non-polar, at codon 1761 of the NOTCH2 protein (p.Asp1761Gly). This variant is not present in population databases (gnomAD no frequency). This variant has not been reported in the literature in individuals affected with NOTCH2-related conditions. Advanced modeling of protein sequence and biophysical properties (such as structural, functional, and spatial information, amino acid conservation, physicochemical variation, residue mobility, and thermodynamic stability) performed at Invitae indicates that this missense variant is not expected to disrupt NOTCH2 protein function with a negative predictive value of 80%. In summary, the available evidence is currently insufficient to determine the role of this variant in disease. Therefore, it has been classified as a Variant of Uncertain Significance.